The following is an entry in ClinVar:

NM_000245.4(MET):c.1867A>C (p.Lys623Gln)

Gene: MET (MET proto-oncogene, receptor tyrosine kinase; plus strand). Cytogenetic location: 7q31.2.
Variant type: single nucleotide variant.
Coding change: c.1867A>C on transcript NM_000245.4 (MANE Select); coding-DNA position 1867, A replaced by C.
Protein change: p.Lys623Gln; replaces lysine 623 with glutamine.
Molecular consequence: missense variant.
Genome position (GRCh38, 1-based): chr7:116,757,441, A>C. VCF-style: chr7-116757441-A-C. GRCh37 (hg19) VCF-style: chr7-116397495-A-C.
Other names: c.577A>C, p.Lys193Gln (NM_001324402.2); c.1867A>C, p.Lys623Gln (NM_001127500.3, NM_001324401.3); short protein forms K193Q, K623Q.
Identifiers: ClinVar variation 3241921 (VCV003241921.2), dbSNP rs2116919707.

ClinVar aggregate classification (germline): Uncertain significance. Review status: criteria provided, multiple submitters, no conflicts (2 of 4 stars). 2 submissions from 2 submitters: Uncertain significance (2). Last evaluated 2026-04-09.

Conditions:
Hereditary cancer-predisposing syndrome. Also called: Neoplastic Syndromes, Hereditary; Tumor predisposition; Hereditary Cancer Syndrome; Hereditary neoplastic syndrome. Identifiers: Orphanet 140162, MedGen C0027672, MeSH D009386, MONDO:0015356.
Autosomal recessive nonsyndromic hearing loss 97. Also called: Deafness, autosomal recessive 97. Identifiers: Orphanet 90636, MedGen C4084709, MONDO:0014739, OMIM 616705.

Submissions (2):

Ambry Genetics
Classification: Uncertain significance for Hereditary cancer-predisposing syndrome. Last evaluated: 2026-04-09. Review status: criteria provided, single submitter. Criteria: Ambry Variant Classification Scheme 2023. Collection method: clinical testing. Allele origin: germline.
Comment: The p.K623Q variant (also known as c.1867A>C), located in coding exon 6 of the MET gene, results from an A to C substitution at nucleotide position 1867. The lysine at codon 623 is replaced by glutamine, an amino acid with similar properties. This amino acid position is conserved. In addition, this alteration is predicted to be tolerated by in silico analysis. Based on the available evidence, the clinical significance of this variant remains unclear.

Baylor Genetics
Classification: Uncertain significance for Autosomal recessive nonsyndromic hearing loss 97. Last evaluated: 2024-01-25. Review status: criteria provided, single submitter. Criteria: ACMG Guidelines, 2015. Collection method: clinical testing. Allele origin: unknown.